The following is an entry in ClinVar:

NM_005685.4(GTF2IRD1):c.1920C>T (p.Pro640=)

Gene: GTF2IRD1 (GTF2I repeat domain containing 1; plus strand). Cytogenetic location: 7q11.23.
Variant type: single nucleotide variant.
Coding change: c.1920C>T on transcript NM_005685.4 (MANE Select); coding-DNA position 1920, C replaced by T.
Protein change: p.Pro640=; no amino-acid change (proline 640 retained).
Molecular consequence: synonymous variant.
Genome position (GRCh38, 1-based): chr7:74,555,177, C>T. VCF-style: chr7-74555177-C-T. GRCh37 (hg19) VCF-style: chr7-73969507-C-T.
Other names: c.2016C>T, p.Pro672= (NM_001199207.2); c.1920C>T, p.Pro640= (NM_001410888.1, NM_016328.3).
Identifiers: ClinVar variation 3034805 (VCV003034805.2), dbSNP rs782719821, ClinGen allele CA455896237.

ClinVar aggregate classification (germline): Likely benign (0 of 4 stars; one submission).

Conditions:
GTF2IRD1-related disorder. Also called: GTF2IRD1-related condition.

Allele frequency attached by ClinVar (database versions not stated): TOPMed 0.00001; gnomAD 0.00002.
gnomAD v4.1: 29 of 1,613,606 alleles (0.0018%); highest among the groups gnomAD compares: Non-Finnish European, 0.0023%; no homozygotes.

Submission:

PreventionGenetics, part of Exact Sciences
Classification: Likely benign for GTF2IRD1-related condition. Last evaluated: 2019-08-08. Review status: no assertion criteria provided. Collection method: clinical testing. Allele origin: germline.
Comment: This variant is classified as likely benign based on ACMG/AMP sequence variant interpretation guidelines (Richards et al. 2015 PMID: 25741868, with internal and published modifications).